The following is an entry in ClinVar:

ClinVar aggregate classification (germline): Uncertain significance (1 of 4 stars; one submission).

Allele frequency attached by ClinVar (database versions not stated): TOPMed below 0.00001; gnomAD 0.00001; gnomAD exomes 0.00002.
gnomAD v4.1: 27 of 1,613,948 alleles (0.0017%); highest among the groups gnomAD compares: Non-Finnish European, 0.0023%; no homozygotes.

Submission:

Labcorp Genetics (formerly Invitae), Labcorp
Classification: Uncertain significance. Last evaluated: 2023-08-11. Review status: criteria provided, single submitter. Criteria: Invitae Variant Classification Sherloc (09022015). Collection method: clinical testing. Allele origin: germline.
Comment: This sequence change falls in intron 4 of the COL7A1 gene. It does not directly change the encoded amino acid sequence of the COL7A1 protein. It affects a nucleotide within the consensus splice site. This variant is not present in population databases (gnomAD no frequency). This variant has not been reported in the literature in individuals affected with COL7A1-related conditions. ClinVar contains an entry for this variant (Variation ID: 2203053). Variants that disrupt the consensus splice site are a relatively common cause of aberrant splicing (PMID: 17576681, 9536098). Algorithms developed to predict the effect of sequence changes on RNA splicing suggest that this variant may create or strengthen a splice site. In summary, the available evidence is currently insufficient to determine the role of this variant in disease. Therefore, it has been classified as a Variant of Uncertain Significance.

Literature cited by the submitters: PubMed 17576681; PubMed 9536098.

NM_000094.4(COL7A1):c.520+4A>T

Gene: COL7A1 (collagen type VII alpha 1 chain; minus strand). Cytogenetic location: 3p21.31.
Variant type: single nucleotide variant.
Coding change: c.520+4A>T on transcript NM_000094.4 (MANE Select); 4 bases into the intron after coding-DNA position 520, A replaced by T.
Molecular consequence: intron variant.
Genome position (GRCh38, 1-based): chr3:48,593,352, T>A on the plus strand (A>T on the coding strand, the complement: COL7A1 is on the minus strand). VCF-style: chr3-48593352-T-A. GRCh37 (hg19) VCF-style: chr3-48630785-T-A.
Identifiers: ClinVar variation 2203053 (VCV002203053.4), dbSNP rs997937705, ClinGen allele CA73993790.